The following is an entry in ClinVar:

ClinVar aggregate classification (germline): Uncertain significance (1 of 4 stars; one submission).

Conditions:
Fanconi anemia (FA). Also called: Fanconi's anemia. Identifiers: Orphanet 84, MedGen C0015625, MeSH D005199, MONDO:0019391.

Submission:

Labcorp Genetics (formerly Invitae), Labcorp
Classification: Uncertain significance for Fanconi anemia. Last evaluated: 2021-09-01. Review status: criteria provided, single submitter. Criteria: Invitae Variant Classification Sherloc (09022015). Collection method: clinical testing. Allele origin: germline.
Comment: This sequence change replaces glycine with glutamic acid at codon 61 of the FANCI protein (p.Gly61Glu). The glycine residue is moderately conserved and there is a moderate physicochemical difference between glycine and glutamic acid. This variant is not present in population databases (ExAC no frequency). This variant has not been reported in the literature in individuals affected with FANCI-related conditions. Algorithms developed to predict the effect of missense changes on protein structure and function are either unavailable or do not agree on the potential impact of this missense change (SIFT: "Deleterious"; PolyPhen-2: "Probably Damaging"; Align-GVGD: "Class C0"). In summary, the available evidence is currently insufficient to determine the role of this variant in disease. Therefore, it has been classified as a Variant of Uncertain Significance.

NM_001113378.2(FANCI):c.182G>A (p.Gly61Glu)

Gene: FANCI (FA complementation group I; plus strand). Cytogenetic location: 15q26.1.
Variant type: single nucleotide variant.
Coding change: c.182G>A on transcript NM_001113378.2 (MANE Select); coding-DNA position 182, G replaced by A.
Protein change: p.Gly61Glu; replaces glycine 61 with glutamic acid.
Molecular consequence: missense variant. On other transcripts: 5 prime UTR variant (1).
Genome position (GRCh38, 1-based): chr15:89,260,737, G>A. VCF-style: chr15-89260737-G-A. GRCh37 (hg19) VCF-style: chr15-89803968-G-A.
Other names: c.-98G>A (NM_001376910.1); c.182G>A, p.Gly61Glu (NM_001376911.1, NM_018193.3); short protein forms G61E.
Identifiers: ClinVar variation 1382680 (VCV001382680.5), dbSNP rs780853984, ClinGen allele CA393737807.